The following is an entry in ClinVar:

ClinVar aggregate classification (germline): Uncertain significance (1 of 4 stars; one submission).

Conditions:
Bardet-Biedl syndrome (BBS). Identifiers: Orphanet 110, MedGen C0752166, MONDO:0015229.

Allele frequency attached by ClinVar (database versions not stated): gnomAD exomes below 0.00001.
gnomAD v4.1: 7 of 1,614,140 alleles (0.00043%); highest among the groups gnomAD compares: Non-Finnish European, 0.00059%; no homozygotes.

Submission:

Labcorp Genetics (formerly Invitae), Labcorp
Classification: Uncertain significance for Bardet-Biedl syndrome. Last evaluated: 2022-03-30. Review status: criteria provided, single submitter. Criteria: Invitae Variant Classification Sherloc (09022015). Collection method: clinical testing. Allele origin: germline.
Comment: In summary, the available evidence is currently insufficient to determine the role of this variant in disease. Therefore, it has been classified as a Variant of Uncertain Significance. Algorithms developed to predict the effect of missense changes on protein structure and function are either unavailable or do not agree on the potential impact of this missense change (SIFT: "Deleterious"; PolyPhen-2: "Benign"; Align-GVGD: "Class C55"). This variant has not been reported in the literature in individuals affected with TRIM32-related conditions. This variant is not present in population databases (gnomAD no frequency). This sequence change replaces lysine, which is basic and polar, with glutamic acid, which is acidic and polar, at codon 627 of the TRIM32 protein (p.Lys627Glu).

NM_012210.4(TRIM32):c.1879A>G (p.Lys627Glu)

Genes: ASTN2 (astrotactin 2; minus strand), TRIM32 (tripartite motif containing 32; plus strand). Cytogenetic location: 9q33.1.
Variant type: single nucleotide variant.
Coding change: c.1879A>G on transcript NM_012210.4 (MANE Select); coding-DNA position 1879, A replaced by G.
Protein change: p.Lys627Glu; replaces lysine 627 with glutamic acid.
Molecular consequence: missense variant. On other transcripts: intron variant (3).
Genome position (GRCh38, 1-based): chr9:116,699,621, A>G. VCF-style: chr9-116699621-A-G. GRCh37 (hg19) VCF-style: chr9-119461900-A-G.
Other names: c.1879A>G, p.Lys627Glu (NM_001099679.2, NM_001379048.1, NM_001379049.1 and 1 more transcripts); c.2653+26150T>C (NM_014010.5); c.2794+26150T>C (NM_001365069.1); c.2806+26150T>C (NM_001365068.1); short protein forms K627E.
Identifiers: ClinVar variation 2420470 (VCV002420470.6), dbSNP rs2491070400, ClinGen allele CA374652626.